The following is an entry in ClinVar:

ClinVar aggregate classification (germline): Uncertain significance (1 of 4 stars; one submission).

Allele frequency attached by ClinVar (database versions not stated): TOPMed below 0.00001; ExAC 0.00001; gnomAD 0.00001; gnomAD exomes 0.00001.
gnomAD v4.1: 17 of 1,613,944 alleles (0.0011%); highest among the groups gnomAD compares: Admixed American, 0.0017%; no homozygotes.

Submission:

Labcorp Genetics (formerly Invitae), Labcorp
Classification: Uncertain significance. Last evaluated: 2022-02-23. Review status: criteria provided, single submitter. Criteria: Invitae Variant Classification Sherloc (09022015). Collection method: clinical testing. Allele origin: germline.
Comment: In summary, the available evidence is currently insufficient to determine the role of this variant in disease. Therefore, it has been classified as a Variant of Uncertain Significance. Algorithms developed to predict the effect of missense changes on protein structure and function (SIFT, PolyPhen-2, Align-GVGD) all suggest that this variant is likely to be disruptive. This variant has not been reported in the literature in individuals affected with KIF20A-related conditions. This variant is present in population databases (rs748700722, gnomAD 0.002%). This sequence change replaces isoleucine, which is neutral and non-polar, with valine, which is neutral and non-polar, at codon 179 of the KIF20A protein (p.Ile179Val).

NM_005733.3(KIF20A):c.535A>G (p.Ile179Val)

Gene: KIF20A (kinesin family member 20A; plus strand). Cytogenetic location: 5q31.2.
Variant type: single nucleotide variant.
Coding change: c.535A>G on transcript NM_005733.3 (MANE Select); coding-DNA position 535, A replaced by G.
Protein change: p.Ile179Val; replaces isoleucine 179 with valine.
Molecular consequence: missense variant.
Genome position (GRCh38, 1-based): chr5:138,182,606, A>G. VCF-style: chr5-138182606-A-G. GRCh37 (hg19) VCF-style: chr5-137518295-A-G.
Other names: short protein forms I179V.
Identifiers: ClinVar variation 1903332 (VCV001903332.5), dbSNP rs748700722, ClinGen allele CA3426340.